The following is an entry in ClinVar:

ClinVar aggregate classification (germline): Benign/Likely benign. Review status: criteria provided, multiple submitters, no conflicts (2 of 4 stars). 3 submissions from 3 submitters: Benign (1); Likely benign (2). Last evaluated 2024-07-31.

Conditions:
Hereditary cancer-predisposing syndrome. Also called: Tumor predisposition; Neoplastic Syndromes, Hereditary; Hereditary Cancer Syndrome; Hereditary neoplastic syndrome. Identifiers: Orphanet 140162, MedGen C0027672, MeSH D009386, MONDO:0015356.
Juvenile polyposis syndrome (JPS). Identifiers: Orphanet 2929, MedGen C0345893, MONDO:0017380, OMIM 174900.

Allele frequency attached by ClinVar (database versions not stated): ExAC 0.00001.
gnomAD v4.1: 1 of 1,613,422 alleles (0.000062%); highest among the groups gnomAD compares: Non-Finnish European, 0.000085%; no homozygotes.

Submissions (3):

Myriad Genetics, Inc.
Classification: Benign for Juvenile polyposis syndrome. Last evaluated: 2024-07-31. Review status: criteria provided, single submitter. Criteria: Myriad Autosomal Dominant, Autosomal Recessive and X-Linked Classification Criteria (2023). Collection method: clinical testing. Allele origin: unknown.
Comment: This variant is considered benign. This variant is a silent/synonymous amino acid change and it is not expected to impact splicing.

Labcorp Genetics (formerly Invitae), Labcorp
Classification: Likely benign for Juvenile polyposis syndrome. Last evaluated: 2022-10-31. Review status: criteria provided, single submitter. Criteria: Invitae Variant Classification Sherloc (09022015). Collection method: clinical testing. Allele origin: germline.

Ambry Genetics
Classification: Likely benign for Hereditary cancer-predisposing syndrome. Last evaluated: 2021-08-17. Review status: criteria provided, single submitter. Criteria: Ambry Variant Classification Scheme 2023. Collection method: clinical testing. Allele origin: germline.

NM_004329.3(BMPR1A):c.96C>T (p.Gly32=)

Gene: BMPR1A (bone morphogenetic protein receptor type 1A; plus strand). Cytogenetic location: 10q23.2.
Variant type: single nucleotide variant.
Coding change: c.96C>T on transcript NM_004329.3 (MANE Select); coding-DNA position 96, C replaced by T.
Protein change: p.Gly32=; no amino-acid change (glycine 32 retained).
Molecular consequence: synonymous variant. On other transcripts: non-coding transcript variant (3).
Genome position (GRCh38, 1-based): chr10:86,890,090, C>T. VCF-style: chr10-86890090-C-T. GRCh37 (hg19) VCF-style: chr10-88649847-C-T.
Other names: c.96C>T, p.Gly32= (NM_001406559.1, NM_001406560.1, NM_001406561.1 and 23 more transcripts); c.12C>T, p.Gly4= (NM_001406584.1, NM_001406585.1, NM_001406586.1 and 2 more transcripts).
Identifiers: ClinVar variation 1767882 (VCV001767882.6), dbSNP rs781458073, ClinGen allele CA5585431.